The following is an entry in ClinVar:

ClinVar aggregate classification (germline): Pathogenic (1 of 4 stars; one submission).

Conditions:
Autosomal recessive nonsyndromic hearing loss 23. Identifiers: Orphanet 90636, MedGen C1836027, MONDO:0012293, OMIM 609533.

Submission:

Institute of Rare Diseases, West China Hospital, Sichuan University
Classification: Pathogenic for Autosomal recessive nonsyndromic hearing loss 23. Last evaluated: 2025-01-09. Review status: criteria provided, single submitter. Criteria: ClinGen HL ACMG Specifications v1. Collection method: research. Allele origin: germline. Affected: yes.
Comment: PVS1;PM3;PM2_Supporting

NM_001384140.1(PCDH15):c.4671+1386_4671+1387dup

Gene: PCDH15 (protocadherin related 15; minus strand). Cytogenetic location: 10q21.1.
Variant type: Duplication.
Coding change: c.4671+1386_4671+1387dup on transcript NM_001384140.1 (MANE Select); bases 1386 to 1387 of the intron after coding-DNA position 4671, 2 bases duplicated (AG; older notation c.4671+1386_4671+1387dupAG).
Molecular consequence: intron variant. On other transcripts: frameshift variant (2), 3 prime UTR variant (1).
Genome position (GRCh38, 1-based): chr10:53,809,169-53,809,170, CT duplicated on the plus strand (AG on the coding strand, the reverse complement: PCDH15 is on the minus strand); duplicating any 2 consecutive bases within chr10:53,809,169-53,809,171 gives the same sequence; the c. name uses the placement nearest the transcript's 3' end. VCF-style (leftmost placement, unchanged base first): chr10-53809168-A-ACT. GRCh37 (hg19) VCF-style: chr10-55568928-A-ACT.
Other names: c.4894_4895dup, p.Glu1634Glnfs (NM_001142769.4); c.*310_*311dup (NM_001142770.3); c.4874_4875dup, p.Glu1627fs (NM_001354411.2); c.4476+1386_4476+1387dup (NM_001354420.2); c.4605+1386_4605+1387dup (NM_001354429.2); c.4482+1386_4482+1387dup (NM_001142772.2); c.4497+1386_4497+1387dup (NM_001142771.2); short protein forms E1627fs, E1634fs.
Identifiers: ClinVar variation 3601624 (VCV003601624.1).
Genomic context (GRCh38, chr10:53,809,168, plus strand): 5'-TGGATTCCGATTCTTCTGATTCAGGGGTGGAACTCTCCTCCTCCTCAGAGGGTGTCTCTG[A>ACT]CTCAGATTCCTCTTCTGTAGTCTCAGACTCACTGAACTCAGACTCTTCTTCACTGTATTC-3'